The following is an entry in ClinVar:

NM_025137.4(SPG11):c.17G>C (p.Gly6Ala)

Gene: SPG11 (SPG11 vesicle trafficking associated, spatacsin; minus strand). Cytogenetic location: 15q21.1.
Variant type: single nucleotide variant.
Coding change: c.17G>C on transcript NM_025137.4 (MANE Select); coding-DNA position 17, G replaced by C.
Protein change: p.Gly6Ala; replaces glycine 6 with alanine.
Molecular consequence: missense variant.
Genome position (GRCh38, 1-based): chr15:44,663,631, C>G on the plus strand (G>C on the coding strand, the complement: SPG11 is on the minus strand). VCF-style: chr15-44663631-C-G. GRCh37 (hg19) VCF-style: chr15-44955829-C-G.
Other names: c.17G>C, p.Gly6Ala (NM_001160227.2); short protein forms G6A.
Identifiers: ClinVar variation 838640 (VCV000838640.11), dbSNP rs1205261164, ClinGen allele CA392238930.

ClinVar aggregate classification (germline): Uncertain significance. Review status: criteria provided, multiple submitters, no conflicts (2 of 4 stars). 2 submissions from 2 submitters: Uncertain significance (2). Last evaluated 2022-06-07.

Conditions:
Hereditary spastic paraplegia 11. Also called: Spastic paraplegia, mental retardation and thin corpus callosum; Nakamura Osame syndrome; Autosomal recessive hereditary spastic paraplegia, mental impairment, and thin corpus callosum; SPASTIC PARAPLEGIA, AUTOSOMAL RECESSIVE, COMPLICATED, WITH THIN CORPUS CALLOSUM; SPASTIC PARAPLEGIA, AUTOSOMAL RECESSIVE, WITH MENTAL IMPAIRMENT AND THIN CORPUS CALLOSUM; Spastic Paraplegia 11. Identifiers: Orphanet 2822, MedGen C1858479, MONDO:0011445, OMIM 604360.
Inborn genetic diseases. Identifiers: MedGen C0950123, MeSH D030342.

Allele frequency attached by ClinVar (database versions not stated): TOPMed below 0.00001.
gnomAD v4.1: 5 of 1,595,478 alleles (0.00031%); highest among the groups gnomAD compares: Non-Finnish European, 0.00042%; no homozygotes.

Submissions (2):

Ambry Genetics
Classification: Uncertain significance for Inborn genetic diseases. Last evaluated: 2022-06-07. Review status: criteria provided, single submitter. Criteria: Ambry Variant Classification Scheme 2023. Collection method: clinical testing. Allele origin: germline.
Comment: The p.G6A variant (also known as c.17G>C), located in coding exon 1 of the SPG11 gene, results from a G to C substitution at nucleotide position 17. The glycine at codon 6 is replaced by alanine, an amino acid with similar properties. This amino acid position is conserved. In addition, this alteration is predicted to be tolerated by in silico analysis. Since supporting evidence is limited at this time, the clinical significance of this alteration remains unclear.

Labcorp Genetics (formerly Invitae), Labcorp
Classification: Uncertain significance for Hereditary spastic paraplegia 11. Last evaluated: 2022-04-09. Review status: criteria provided, single submitter. Criteria: Invitae Variant Classification Sherloc (09022015). Collection method: clinical testing. Allele origin: germline.
Comment: This sequence change replaces glycine, which is neutral and non-polar, with alanine, which is neutral and non-polar, at codon 6 of the SPG11 protein (p.Gly6Ala). This variant is not present in population databases (gnomAD no frequency). This variant has not been reported in the literature in individuals affected with SPG11-related conditions. ClinVar contains an entry for this variant (Variation ID: 838640). Algorithms developed to predict the effect of missense changes on protein structure and function output the following: SIFT: "Tolerated"; PolyPhen-2: "Not Available"; Align-GVGD: "Class C0". The alanine amino acid residue is found in multiple mammalian species, which suggests that this missense change does not adversely affect protein function. In summary, the available evidence is currently insufficient to determine the role of this variant in disease. Therefore, it has been classified as a Variant of Uncertain Significance.